The following is an entry in ClinVar:

NM_001079872.2(CUL4B):c.2003A>G (p.Tyr668Cys)

Gene: CUL4B (cullin 4B; minus strand). Cytogenetic location: Xq24.
Variant type: single nucleotide variant.
Coding change: c.2003A>G on transcript NM_001079872.2 (MANE Select); coding-DNA position 2003, A replaced by G.
Protein change: p.Tyr668Cys; replaces tyrosine 668 with cysteine.
Molecular consequence: missense variant.
Genome position (GRCh38, 1-based): chrX:120,536,970, T>C on the plus strand (A>G on the coding strand, the complement: CUL4B is on the minus strand). VCF-style: chrX-120536970-T-C. GRCh37 (hg19) VCF-style: chrX-119670825-T-C.
Other names: c.2018A>G, p.Tyr673Cys (NM_001330624.2); c.1469A>G, p.Tyr490Cys (NM_001369145.1); c.2057A>G, p.Tyr686Cys (NM_003588.4); short protein forms Y490C, Y668C, Y673C, Y686C.
Identifiers: ClinVar variation 3359528 (VCV003359528.1).

ClinVar aggregate classification (germline): Uncertain significance (1 of 4 stars; one submission).

Submission:

GeneDx
Classification: Uncertain significance. Last evaluated: 2023-06-04. Review status: criteria provided, single submitter. Criteria: GeneDx Variant Classification Process June 2021. Collection method: clinical testing. Allele origin: germline. Affected: yes.
Comment: Not observed at significant frequency in large population cohorts (gnomAD); In silico analysis supports that this missense variant has a deleterious effect on protein structure/function; Has not been previously published as pathogenic or benign to our knowledge